The following is an entry in ClinVar:

NM_153026.3(PRICKLE1):c.113C>T (p.Pro38Leu)

Gene: PRICKLE1 (prickle planar cell polarity protein 1; minus strand). Cytogenetic location: 12q12.
Variant type: single nucleotide variant.
Coding change: c.113C>T on transcript NM_153026.3 (MANE Select); coding-DNA position 113, C replaced by T.
Protein change: p.Pro38Leu; replaces proline 38 with leucine.
Molecular consequence: missense variant.
Genome position (GRCh38, 1-based): chr12:42,472,404, G>A on the plus strand (C>T on the coding strand, the complement: PRICKLE1 is on the minus strand). VCF-style: chr12-42472404-G-A. GRCh37 (hg19) VCF-style: chr12-42866206-G-A.
Other names: p.P38L:CCG>CTG; c.113C>T, p.Pro38Leu (NM_001144881.2, NM_001144882.2, NM_001144883.2); short protein forms P38L.
Identifiers: ClinVar variation 206658 (VCV000206658.15), dbSNP rs145493619, ClinGen allele CA316968.

ClinVar aggregate classification (germline): Conflicting classifications of pathogenicity. Review status: criteria provided, conflicting classifications (1 of 4 stars). 3 submissions from 3 submitters: Uncertain significance (2); Likely benign (1). Last evaluated 2025-08-30.

Conditions:
Epilepsy, progressive myoclonic, 1B. Also called: PME. Identifiers: Orphanet 308, MedGen C2676254, MONDO:0012904, OMIM 612437.

Allele frequency attached by ClinVar (database versions not stated): gnomAD 0.00010; TOPMed 0.00014; ExAC 0.00036; 1000 Genomes Project 30x 0.00047; 1000 Genomes Project 0.00060.
gnomAD v4.1: 411 of 1,613,742 alleles (0.025%); highest among the groups gnomAD compares: East Asian, 0.88%; 4 homozygotes.

Submissions (3):

Labcorp Genetics (formerly Invitae), Labcorp
Classification: Likely benign for Epilepsy, progressive myoclonic, 1B. Last evaluated: 2025-08-30. Review status: criteria provided, single submitter. Criteria: Invitae Variant Classification Sherloc (09022015). Collection method: clinical testing. Allele origin: germline.

Ambry Genetics
Classification: Uncertain significance. Last evaluated: 2018-06-20. Review status: criteria provided, single submitter. Criteria: Ambry Variant Classification Scheme 2023. Collection method: clinical testing. Allele origin: germline.
Comment: The p.P38L variant (also known as c.113C>T), located in coding exon 1 of the PRICKLE1 gene, results from a C to T substitution at nucleotide position 113. The proline at codon 38 is replaced by leucine, an amino acid with similar properties. This amino acid position is highly conserved in available vertebrate species. In addition, this alteration is predicted to be deleterious by in silico analysis. Since supporting evidence is limited at this time, the clinical significance of this alteration remains unclear.

GeneDx
Classification: Uncertain significance. Last evaluated: 2018-03-12. Review status: criteria provided, single submitter. Criteria: GeneDx Variant Classification (06012015). Collection method: clinical testing. Allele origin: germline. Affected: yes.
Comment: The P38L variant has not been published as a pathogenic variant, nor has it been reported as a benign variant to our knowledge. The P38L variant is observed in 77/18,870 (0.4%) alleles from individuals of East Asian background (Lek et al., 2016). The P38L variant is a semi-conservative amino acid substitution, which may impact secondary protein structure as these residues differ in some properties. In-silico analyses, including protein predictors and evolutionary conservation, support a deleterious effect. Based on the currently available information, it is unclear whether this variant is a pathogenic variant or a rare benign variant.